The following is an entry in ClinVar:

ClinVar aggregate classification (germline): Pathogenic/Likely pathogenic. Review status: criteria provided, multiple submitters, no conflicts (2 of 4 stars). 6 submissions from 6 submitters: Pathogenic (2); Likely pathogenic (4). Last evaluated 2026-04-24.

Conditions:
Charcot-Marie-Tooth disease axonal type 2S. Also called: CHARCOT-MARIE-TOOTH DISEASE, AXONAL, AUTOSOMAL RECESSIVE, TYPE 2S; CHARCOT-MARIE-TOOTH NEUROPATHY, TYPE 2S. Identifiers: Orphanet 443073, MedGen C4015349, MONDO:0014511, OMIM 616155.
Autosomal recessive distal spinal muscular atrophy 1. Also called: Spinal muscular atrophy with respiratory distress 1; NEURONOPATHY, SEVERE INFANTILE AXONAL, WITH RESPIRATORY FAILURE; SEVERE INFANTILE AXONAL NEUROPATHY WITH RESPIRATORY FAILURE; SPINAL MUSCULAR ATROPHY, DIAPHRAGMATIC; NEURONOPATHY, DISTAL HEREDITARY MOTOR, HARDING TYPE VI; NEUROPATHY, DISTAL HEREDITARY MOTOR, AUTOSOMAL RECESSIVE 1. Identifiers: Orphanet 98920, MedGen C1858517, MONDO:0011436, OMIM 604320.
IGHMBP2-related disorder. Also called: IGHMBP2-related disorders; IGHMBP2-related condition.

Allele frequency attached by ClinVar (database versions not stated): gnomAD 0.00001; gnomAD exomes 0.00001; TOPMed 0.00001.
gnomAD v4.1: 15 of 1,602,756 alleles (0.00094%); highest among the groups gnomAD compares: South Asian, 0.0055%; no homozygotes.

Submissions (6):

PreventionGenetics, part of Exact Sciences
Classification: Likely pathogenic for IGHMBP2-related condition. Last evaluated: 2026-04-24. Review status: criteria provided, single submitter. Criteria: ACMG Guidelines, 2015. Collection method: clinical testing. Allele origin: germline.
Comment: The IGHMBP2 c.547+1G>A variant is predicted to disrupt the GT donor site and interfere with normal splicing. This variant has been reported with a second IGHMBP2 variant in an individual with Charcot-Marie-Tooth disease (Supp. Table 1, Dohrn et al. 2017. PubMed ID: 28902413) and in an additional patient with spinal muscular atrophy with respiratory distress (Table S15, Clark et al. 2019. PubMed ID: 31019026). This variant is reported in 0.0065% of alleles in individuals of South Asian descent in gnomAD. Variants that disrupt the consensus splice donor site in IGHMBP2 are expected to be pathogenic. This variant is interpreted as likely pathogenic.

Labcorp Genetics (formerly Invitae), Labcorp
Classification: Pathogenic for Autosomal recessive distal spinal muscular atrophy 1; Charcot-Marie-Tooth disease axonal type 2S. Last evaluated: 2025-08-20. Review status: criteria provided, single submitter. Criteria: Invitae Variant Classification Sherloc (09022015). Collection method: clinical testing. Allele origin: germline.
Comment: This sequence change affects a donor splice site in intron 4 of the IGHMBP2 gene. It is expected to disrupt RNA splicing. Variants that disrupt the donor or acceptor splice site typically lead to a loss of protein function (PMID: 16199547), and loss-of-function variants in IGHMBP2 are known to be pathogenic (PMID: 14681881, 25439726, 25568292). This variant is present in population databases (no rsID available, gnomAD 0.006%). Disruption of this splice site has been observed in individual(s) with clinical features of IGHMBP2-related conditions (PMID: 28902413, 31019026; internal data). In at least one individual the data is consistent with being in trans (on the opposite chromosome) from a pathogenic variant. ClinVar contains an entry for this variant (Variation ID: 373749). Algorithms developed to predict the effect of sequence changes on RNA splicing suggest that this variant may disrupt the consensus splice site. For these reasons, this variant has been classified as Pathogenic.

CeGaT Center for Human Genetics Tuebingen
Classification: Pathogenic. Last evaluated: 2024-03-01. Review status: criteria provided, single submitter. Criteria: CeGaT Center For Human Genetics Tuebingen Variant Classification Criteria Version 2. Collection method: clinical testing. Allele origin: germline. Affected: yes. Observed: 3 variant alleles.
Comment: IGHMBP2: PVS1, PM2, PM3

Service de Pédiatrie - Neurologie et infectiologie - Toulouse, CHU de Toulouse - Hôpital des Enfants
Classification: Likely pathogenic for Autosomal recessive distal spinal muscular atrophy 1. Last evaluated: 2018-01-21. Review status: criteria provided, single submitter. Criteria: ACMG Guidelines, 2015. Collection method: case-control. Allele origin: maternal. Inheritance: Autosomal recessive inheritance. Affected: yes. Observed: 1 compound heterozygote.
Comment: It is a splice mutation (at the beginning of intron 4, hence probably on a splice site), whose dysfunction might generate a premature stop codon. It occurs early in the sequence: in the intron 4, for a total of 15 exons. Moreover, it is located in the main functional domain "DNA helicase domain" of the protein IGHMB2, at a specific location where ATP binding sites are concentrated.

Rady Children's Institute for Genomic Medicine, Rady Children's Hospital San Diego
Classification: Likely pathogenic for SPINAL MUSCULAR ATROPHY, DISTAL, AUTOSOMAL RECESSIVE, 1. Last evaluated: 2017-12-19. Review status: criteria provided, single submitter. Criteria: ACMG Guidelines, 2015. Collection method: clinical testing. Allele origin: germline. Affected: yes. Observed: 1 variant allele.
Comment: This splice variant is predicted to impact a canonical splice donor site. This variant has been classified by a clinical laboratory as likely pathogenic in ClinVar (Variation ID 373749). This variant has not been previously reported literature nor has it been functionally characterized to our knowledge; however, several other splice variants in this gene have been previously described in association with disease. Multiple in silico splice prediction tools predict a damaging effect of the variant. It is present in the heterozygous state in the gnomAD population database at a frequency of 0.003% (1/30934). Based on the combined evidence, the c.547+1G>A is classified as likely pathogenic.

GeneDx
Classification: Likely pathogenic. Last evaluated: 2016-12-12. Review status: criteria provided, single submitter. Criteria: GeneDx Variant Classification (06012015). Collection method: clinical testing. Allele origin: germline. Affected: yes.
Comment: A novel c.547+1 G>A variant that is likely pathogenic has been identified in the IGHMBP2 gene. The c.547+1 G>A variant has not been published as a pathogenic variant, nor has it been reported as a benign variant to our knowledge. The c.547+1 G>A variant is not observed in large population cohorts (Lek et al., 2016; 1000 Genomes Consortium et al., 2015; Exome Variant Server). The c.547+1 G>A splice site variant in the IGHMBP2 gene destroys the canonical splice donor site in intron 4. It is predicted to cause abnormal gene splicing, either leading to an abnormal message that is subject to nonsense-mediated mRNA decay, or to an abnormal protein product if the message is used for protein translation. Therefore, this variant is likely pathogenic; however, the possibility that it is benign cannot be excluded.

Literature cited by the submitters: PubMed 16199547 (cited by Labcorp Genetics (formerly Invitae), Labcorp); PubMed 14681881 (cited by Labcorp Genetics (formerly Invitae), Labcorp); PubMed 25439726 (cited by Labcorp Genetics (formerly Invitae), Labcorp); PubMed 25568292 (cited by Labcorp Genetics (formerly Invitae), Labcorp); PubMed 28902413 (cited by Labcorp Genetics (formerly Invitae), Labcorp); PubMed 31019026 (cited by Labcorp Genetics (formerly Invitae), Labcorp).

NM_002180.3(IGHMBP2):c.547+1G>A

Gene: IGHMBP2 (immunoglobulin mu DNA binding protein 2; plus strand). Cytogenetic location: 11q13.3.
Variant type: single nucleotide variant.
Coding change: c.547+1G>A on transcript NM_002180.3 (MANE Select); the canonical splice donor site of the intron after coding-DNA position 547, G replaced by A.
Molecular consequence: splice donor variant.
Genome position (GRCh38, 1-based): chr11:68,908,632, G>A. VCF-style: chr11-68908632-G-A. GRCh37 (hg19) VCF-style: chr11-68676100-G-A.
Other names: SMUBP2.
Identifiers: ClinVar variation 373749 (VCV000373749.49), dbSNP rs1057518588, ClinGen allele CA16042766.
Genomic context (GRCh38, chr11:68,908,632, plus strand): 5'-CCTCCTCACTCATAGAAGTGCTCTTTGGCAGATCTGCTCCCAGTCCTGCCAGTGAAATAC[G>A]TAAGAACTTCTGAGTTTTCTTTTTTGGTTGAAATCACTACTGAAAGTATAGAGAACAGTG-3'